The following is an entry in ClinVar:

NM_001845.6(COL4A1):c.2405G>C (p.Gly802Ala)

Gene: COL4A1 (collagen type IV alpha 1 chain; minus strand). Cytogenetic location: 13q34.
Variant type: single nucleotide variant.
Coding change: c.2405G>C on transcript NM_001845.6 (MANE Select); coding-DNA position 2405, G replaced by C.
Protein change: p.Gly802Ala; replaces glycine 802 with alanine.
Molecular consequence: missense variant.
Genome position (GRCh38, 1-based): chr13:110,178,976, C>G on the plus strand (G>C on the coding strand, the complement: COL4A1 is on the minus strand). VCF-style: chr13-110178976-C-G. GRCh37 (hg19) VCF-style: chr13-110831323-C-G.
Other names: short protein forms G802A.
Identifiers: ClinVar variation 432504 (VCV000432504.2), dbSNP rs1301668632, ClinGen allele CA388668392.

ClinVar aggregate classification (germline): Uncertain significance (1 of 4 stars; one submission).

Allele frequency attached by ClinVar (database versions not stated): TOPMed 0.00001; gnomAD exomes below 0.00001.
gnomAD v4.1: 1 of 1,612,438 alleles (0.000062%); highest among the groups gnomAD compares: South Asian, 0.0011%; no homozygotes.

Submission:

GeneDx
Classification: Uncertain significance. Last evaluated: 2017-06-08. Review status: criteria provided, single submitter. Criteria: GeneDx Variant Classification (06012015). Collection method: clinical testing. Allele origin: germline. Affected: yes.
Comment: The G802A variant in the COL4A1 gene has not been reported previously as a pathogenic variant, nor as a benign variant, to our knowledge. The G802A variant is not observed in large population cohorts (Lek et al., 2016; 1000 Genomes Consortium et al., 2015; Exome Variant Server). The G802A variant is a conservative amino acid substitution, which is not likely to impact secondary protein structure as these residues share similar properties. This substitution occurs at a position that is conserved across species and occurs at a G-X-Y motif within a triple helical region. In silico analysis predicts this variant is probably damaging to the protein structure/function. We interpret G802A as a variant of uncertain significance.